The following is an entry in ClinVar:

ClinVar aggregate classification (germline): Uncertain significance. Review status: criteria provided, multiple submitters, no conflicts (2 of 4 stars). 3 submissions from 3 submitters: Uncertain significance (3). Last evaluated 2026-06-26.

Conditions:
Developmental and epileptic encephalopathy 94 (DEE94). Also called: CHD2-Related Neurodevelopmental Disorders; Epileptic encephalopathy, childhood-onset. Identifiers: Orphanet 1942, Orphanet 2382, MedGen C3809278, MONDO:0014150, OMIM 615369.
CHD2-related disorder. Also called: CHD2-related condition.

Allele frequency attached by ClinVar (database versions not stated): gnomAD exomes below 0.00001.
gnomAD v4.1: 2 of 1,614,098 alleles (0.00012%); highest among the groups gnomAD compares: Non-Finnish European, 0.000085%; no homozygotes.

Submissions (3):

Women's Health and Genetics/Laboratory Corporation of America, LabCorp
Classification: Uncertain significance. Last evaluated: 2026-06-26. Review status: criteria provided, single submitter. Criteria: LabCorp Variant Classification Summary - May 2015. Collection method: clinical testing. Allele origin: germline.
Comment: Variant summary: CHD2 c.4966C>T (p.Pro1656Ser) results in a non-conservative amino acid change in the encoded protein sequence. Algorithms developed to predict the effect of missense changes on protein structure and function are either unavailable or do not agree on the potential impact of this missense change. The variant was absent in 251408 control chromosomes. The available data on variant occurrences in the general population are insufficient to allow any conclusion about variant significance. To our knowledge, no occurrence of c.4966C>T in individuals affected with CHD2-related conditions and no experimental evidence demonstrating its impact on protein function have been reported. ClinVar contains an entry for this variant (Variation ID: 2634142). Based on the evidence outlined above, the variant was classified as uncertain significance.

PreventionGenetics, part of Exact Sciences
Classification: Uncertain significance for CHD2-related condition. Last evaluated: 2025-10-02. Review status: criteria provided, single submitter. Criteria: ACMG Guidelines, 2015. Collection method: clinical testing. Allele origin: germline.
Comment: The CHD2 c.4966C>T variant is predicted to result in the amino acid substitution p.Pro1656Ser. To our knowledge, this variant has not been reported in the literature or in a large population database (gnomAD), indicating this variant is rare. At this time, the clinical significance of this variant is uncertain due to the absence of conclusive functional and genetic evidence.

Labcorp Genetics (formerly Invitae), Labcorp
Classification: Uncertain significance for Developmental and epileptic encephalopathy 94. Last evaluated: 2024-06-11. Review status: criteria provided, single submitter. Criteria: Invitae Variant Classification Sherloc (09022015). Collection method: clinical testing. Allele origin: germline.
Comment: This sequence change replaces proline, which is neutral and non-polar, with serine, which is neutral and polar, at codon 1656 of the CHD2 protein (p.Pro1656Ser). This variant is not present in population databases (gnomAD no frequency). This variant has not been reported in the literature in individuals affected with CHD2-related conditions. ClinVar contains an entry for this variant (Variation ID: 2634142). Advanced modeling of protein sequence and biophysical properties (such as structural, functional, and spatial information, amino acid conservation, physicochemical variation, residue mobility, and thermodynamic stability) performed at Invitae indicates that this missense variant is not expected to disrupt CHD2 protein function with a negative predictive value of 95%. In summary, the available evidence is currently insufficient to determine the role of this variant in disease. Therefore, it has been classified as a Variant of Uncertain Significance.

NM_001271.4(CHD2):c.4966C>T (p.Pro1656Ser)

Gene: CHD2 (chromodomain helicase DNA binding protein 2; plus strand). Cytogenetic location: 15q26.1.
Variant type: single nucleotide variant.
Coding change: c.4966C>T on transcript NM_001271.4 (MANE Select); coding-DNA position 4966, C replaced by T.
Protein change: p.Pro1656Ser; replaces proline 1656 with serine.
Molecular consequence: missense variant.
Genome position (GRCh38, 1-based): chr15:93,020,071, C>T. VCF-style: chr15-93020071-C-T. GRCh37 (hg19) VCF-style: chr15-93563301-C-T.
Other names: short protein forms P1656S.
Identifiers: ClinVar variation 2634142 (VCV002634142.10), dbSNP rs984664076, ClinGen allele CA393907568.